The following is an entry in ClinVar:

ClinVar aggregate classification (germline): Conflicting classifications of pathogenicity. Review status: criteria provided, conflicting classifications (1 of 4 stars). 5 submissions from 5 submitters: Pathogenic (1); Likely pathogenic (3); Uncertain significance (1). Last evaluated 2026-01-27.

Conditions:
Cardiovascular phenotype. Identifiers: MedGen CN230736.
ZNF469-related disorder. Also called: ZNF469-related condition.
Brittle cornea syndrome 1 (BCS1). Also called: DYSGENESIS MESODERMALIS CORNEAE ET SCLERAE; EDS6B; Corneal fragility keratoglobus, blue sclerae AND joint hypermobility; CORNEAL FRAGILITY, KERATOGLOBUS, BLUE SCLERAE, JOINT HYPEREXTENSIBILITY; FRAGILITAS OCULI WITH JOINT HYPEREXTENSIBILITY. Identifiers: Orphanet 90354, MedGen C0268344, MONDO:0024543, OMIM 229200.

Submissions (5):

Labcorp Genetics (formerly Invitae), Labcorp
Classification: Pathogenic. Last evaluated: 2026-01-27. Review status: criteria provided, single submitter. Criteria: Invitae Variant Classification Sherloc (09022015). Collection method: clinical testing. Allele origin: germline.
Comment: This sequence change creates a premature translational stop signal (p.Arg3417Alafs*58) in the ZNF469 gene. While this is not anticipated to result in nonsense mediated decay, it is expected to disrupt the last 509 amino acid(s) of the ZNF469 protein. The frequency data for this variant in the population databases is considered unreliable, as metrics indicate poor data quality at this position in the gnomAD database. This variant has not been reported in the literature in individuals affected with ZNF469-related conditions. ClinVar contains an entry for this variant (Variation ID: 524083). This variant disrupts a region of the ZNF469 protein in which other variant(s) (p.Pro3556Glnfs*136) have been determined to be pathogenic (PMID: 32671420). This suggests that this is a clinically significant region of the protein, and that variants that disrupt it are likely to be disease-causing. For these reasons, this variant has been classified as Pathogenic.

Ambry Genetics
Classification: Uncertain significance for Cardiovascular phenotype. Last evaluated: 2024-07-19. Review status: criteria provided, single submitter. Criteria: Ambry Variant Classification Scheme 2023. Collection method: clinical testing. Allele origin: germline.
Comment: The c.10248dupG variant, located in coding exon 2 of the ZNF469 gene, results from a duplication of G at nucleotide position 10248, causing a translational frameshift with a predicted alternate stop codon (p.R3417Afs*58). This alteration occurs at the 3' terminus of theZNF469 gene, is not expected to trigger nonsense-mediated mRNAdecay, and only impacts the last 13% of the protein. The exact functional effect of this alteration is unknown. Based on the available evidence, the clinical significance of this variant remains unclear.

Blueprint Genetics
Classification: Likely pathogenic for ZNF469-related disorders. Last evaluated: 2024-04-30. Review status: criteria provided, single submitter. Criteria: ACMG Guidelines, 2015. Collection method: clinical testing. Allele origin: germline. Affected: yes. Observed: 3 variant alleles.

Fulgent Genetics
Classification: Likely pathogenic for Brittle cornea syndrome 1. Last evaluated: 2024-03-29. Review status: criteria provided, single submitter. Criteria: ACMG Guidelines, 2015. Collection method: clinical testing. Allele origin: germline.

GeneDx
Classification: Likely pathogenic. Last evaluated: 2022-10-26. Review status: criteria provided, single submitter. Criteria: GeneDx Variant Classification Process June 2021. Collection method: clinical testing. Allele origin: germline. Affected: yes.
Comment: Has not been previously published as pathogenic or benign to our knowledge; Not observed at significant frequency in large population cohorts (gnomAD); Frameshift variant predicted to result in protein truncation, as the last 509 amino acids are replaced with 57 different amino acids, and one loss-of-function variant has been reported downstream in HGMD

Literature cited by the submitters: PubMed 32671420 (cited by Labcorp Genetics (formerly Invitae), Labcorp).

NM_001367624.2(ZNF469):c.10332dup (p.Arg3445fs)

Gene: ZNF469 (zinc finger protein 469; plus strand). Cytogenetic location: 16q24.2.
Variant type: Duplication.
Coding change: c.10332dup on transcript NM_001367624.2 (MANE Select); coding-DNA position 10332, one base duplicated (G; older notation c.10332dupG).
Protein change: p.Arg3445fs; shifts the reading frame from arginine 3445.
Molecular consequence: frameshift variant.
Genome position (GRCh38, 1-based): chr16:88,437,802, G duplicated; the last of 8 consecutive G bases (chr16:88,437,795-88,437,802); duplicating any one gives the same sequence. VCF-style (leftmost placement, unchanged base first): chr16-88437794-A-AG. GRCh37 (hg19) VCF-style: chr16-88504202-A-AG.
Other names: NM_001127464.1:c.10248dupG; NM_001127464.1:c.10248dup; short protein forms R3445fs.
Identifiers: ClinVar variation 524083 (VCV000524083.11), dbSNP rs764470052, ClinGen allele CA8225493.